The following is an entry in ClinVar:

ClinVar aggregate classification (germline): Uncertain significance (1 of 4 stars; one submission).

Conditions:
Norman-Roberts syndrome (LIS2). Also called: Lissencephaly 2 (Norman-Roberts type). Identifiers: Orphanet 89844, MedGen C0796089, MONDO:0009760, OMIM 257320.
Familial temporal lobe epilepsy 7. Identifiers: Orphanet 101046, MedGen C4225327, MONDO:0014639, OMIM 616436.

Allele frequency attached by ClinVar (database versions not stated): TOPMed below 0.00001.

Submission:

Labcorp Genetics (formerly Invitae), Labcorp
Classification: Uncertain significance for Familial temporal lobe epilepsy 7; Norman-Roberts syndrome. Last evaluated: 2019-06-26. Review status: criteria provided, single submitter. Criteria: Invitae Variant Classification Sherloc (09022015). Collection method: clinical testing. Allele origin: germline.
Comment: This sequence change replaces glutamine with histidine at codon 230 of the RELN protein (p.Gln230His). The glutamine residue is moderately conserved and there is a small physicochemical difference between glutamine and histidine. This variant is not present in population databases (ExAC no frequency). This variant has not been reported in the literature in individuals with RELN-related disease. Algorithms developed to predict the effect of missense changes on protein structure and function are either unavailable or do not agree on the potential impact of this missense change (SIFT: "Deleterious"; PolyPhen-2: "Benign"; Align-GVGD: "Class C0"). In summary, the available evidence is currently insufficient to determine the role of this variant in disease. Therefore, it has been classified as a Variant of Uncertain Significance.

NM_005045.4(RELN):c.690G>C (p.Gln230His)

Gene: RELN (reelin; minus strand). Cytogenetic location: 7q22.1.
Variant type: single nucleotide variant.
Coding change: c.690G>C on transcript NM_005045.4 (MANE Select); coding-DNA position 690, G replaced by C.
Protein change: p.Gln230His; replaces glutamine 230 with histidine.
Molecular consequence: missense variant.
Genome position (GRCh38, 1-based): chr7:103,728,174, C>G on the plus strand (G>C on the coding strand, the complement: RELN is on the minus strand). VCF-style: chr7-103728174-C-G. GRCh37 (hg19) VCF-style: chr7-103368621-C-G.
Other names: c.690G>C, p.Gln230His (NM_173054.3); short protein forms Q230H.
Identifiers: ClinVar variation 565933 (VCV000565933.10), dbSNP rs1302068842, ClinGen allele CA368929249.
Genomic context (GRCh38, chr7:103,728,174, plus strand): 5'-TTCTCGTGGGCCATATGGTTCACAGAAGGTGACGGCATTGCCATGCATAATCGCGCCACA[C>G]TGTTCTCCAGTCTCACAGTTGTTACATTCAACCCTGCAGGAAAACAGAACACAGTCCCCG-3'
Protein context (NP_005036.2, residues 220-240): VECNNCETGE[Gln230His]CGAIMHGNAV